The following is an entry in ClinVar:

ClinVar aggregate classification (germline): Pathogenic (1 of 4 stars; one submission).

Conditions:
L1CAM-related disorder. Also called: L1CAM-related condition.

Submission:

PreventionGenetics, part of Exact Sciences
Classification: Pathogenic for L1CAM-related condition. Last evaluated: 2025-04-06. Review status: criteria provided, single submitter. Criteria: ACMG Guidelines, 2015. Collection method: clinical testing. Allele origin: germline.
Comment: The L1CAM c.2475_2479del5 variant is predicted to result in a frameshift and premature protein termination (p.Asn825Lysfs*63). This variant was reported in an individual with L1 syndrome (Referred to as c.2470_2474del, Bertolin et al. 2010. PubMed ID: 20447653). This variant has not been reported in a large population database (gnomAD), indicating this variant is rare. Frameshift variants in L1CAM are expected to be pathogenic. This variant is interpreted as pathogenic.

NM_001278116.2(L1CAM):c.2475_2479del (p.Asn825fs)

Gene: L1CAM (L1 cell adhesion molecule; minus strand). Cytogenetic location: Xq28.
Variant type: Microsatellite.
Coding change: c.2475_2479del on transcript NM_001278116.2 (MANE Select); coding-DNA positions 2475 to 2479, 5 bases deleted (CTCAA; older notation c.2475_2479delCTCAA).
Protein change: p.Asn825fs; shifts the reading frame from asparagine 825.
Molecular consequence: frameshift variant.
Genome position (GRCh38, 1-based): chrX:153,865,772-153,865,776, TTGAG deleted on the plus strand (CTCAA on the coding strand, the reverse complement: L1CAM is on the minus strand); deleting any 5 consecutive bases within chrX:153,865,772-153,865,781 gives the same sequence; the c. name uses the placement nearest the transcript's 3' end. VCF-style (leftmost placement, unchanged base first): chrX-153865771-CTTGAG-C. GRCh37 (hg19) VCF-style: chrX-153131226-CTTGAG-C.
Other names: c.2475_2479del, p.Asn825fs (NM_000425.5, NM_024003.3); c.2460_2464del, p.Asn820fs (NM_001143963.2); short protein forms N820fs, N825fs.
Identifiers: ClinVar variation 5002400 (VCV005002400.1).